The following is an entry in ClinVar:

NM_014639.4(SKIC3):c.2386del (p.Thr796fs)

Gene: SKIC3 (SKI3 subunit of superkiller complex; minus strand). Cytogenetic location: 5q15.
Variant type: Deletion.
Coding change: c.2386del on transcript NM_014639.4 (MANE Select); coding-DNA position 2386, one base deleted (A; older notation c.2386delA).
Protein change: p.Thr796fs; shifts the reading frame from threonine 796.
Molecular consequence: frameshift variant.
Genome position (GRCh38, 1-based): chr5:95,516,966, T deleted on the plus strand (A on the coding strand, the reverse complement: SKIC3 is on the minus strand); the first of 3 consecutive T bases (chr5:95,516,966-95,516,968); deleting any one gives the same sequence. VCF-style (leftmost placement, unchanged base first): chr5-95516965-GT-G. GRCh37 (hg19) VCF-style: chr5-94852669-GT-G.
Other names: short protein forms T796fs.
Identifiers: ClinVar variation 4711339 (VCV004711339.1).

ClinVar aggregate classification (germline): Pathogenic (1 of 4 stars; one submission).

Submission:

Labcorp Genetics (formerly Invitae), Labcorp
Classification: Pathogenic. Last evaluated: 2025-05-01. Review status: criteria provided, single submitter. Criteria: Invitae Variant Classification Sherloc (09022015). Collection method: clinical testing. Allele origin: germline.
Comment: This sequence change creates a premature translational stop signal (p.Thr796Glnfs*5) in the TTC37 gene. It is expected to result in an absent or disrupted protein product. Loss-of-function variants in TTC37 are known to be pathogenic (PMID: 20176027, 21120949). This variant is not present in population databases (gnomAD no frequency). This variant has not been reported in the literature in individuals affected with TTC37-related conditions. For these reasons, this variant has been classified as Pathogenic.

Literature cited by the submitters: PubMed 20176027; PubMed 21120949.